The following is an entry in ClinVar:

NM_139076.3(ABRAXAS1):c.634G>C (p.Val212Leu)

Gene: ABRAXAS1 (abraxas 1, BRCA1 A complex subunit; minus strand). Cytogenetic location: 4q21.23.
Variant type: single nucleotide variant.
Coding change: c.634G>C on transcript NM_139076.3 (MANE Select); coding-DNA position 634, G replaced by C.
Protein change: p.Val212Leu; replaces valine 212 with leucine.
Molecular consequence: missense variant.
Genome position (GRCh38, 1-based): chr4:83,467,501, C>G on the plus strand (G>C on the coding strand, the complement: ABRAXAS1 is on the minus strand). VCF-style: chr4-83467501-C-G. GRCh37 (hg19) VCF-style: chr4-84388654-C-G.
Other names: c.307G>C, p.Val103Leu (NM_001345962.2); short protein forms V212L, V103L.
Identifiers: ClinVar variation 2497233 (VCV002497233.3), dbSNP rs1722416965, ClinGen allele CA357258788.

ClinVar aggregate classification (germline): Uncertain significance (1 of 4 stars; one submission).

Submission:

Ambry Genetics
Classification: Uncertain significance. Last evaluated: 2025-04-06. Review status: criteria provided, single submitter. Criteria: Ambry Variant Classification Scheme 2023. Collection method: clinical testing. Allele origin: germline.
Comment: The p.V212L variant (also known as c.634G>C), located in coding exon 7 of the FAM175A gene, results from a G to C substitution at nucleotide position 634. The valine at codon 212 is replaced by leucine, an amino acid with highly similar properties. This amino acid position is conserved. In addition, this alteration is predicted to be tolerated by in silico analysis. Since supporting evidence is limited at this time, the clinical significance of this alteration remains unclear.